The following is an entry in ClinVar:

ClinVar aggregate classification (germline): Uncertain significance. Review status: criteria provided, multiple submitters, no conflicts (2 of 4 stars). 2 submissions from 2 submitters: Uncertain significance (2). Last evaluated 2025-03-30.

Conditions:
Colorectal cancer, hereditary nonpolyposis, type 7. Identifiers: Orphanet 144, MedGen C1858380, MONDO:0013725, OMIM 614385.

Allele frequency attached by ClinVar (database versions not stated): gnomAD exomes below 0.00001 and 0.00003; TOPMed 0.00002; ExAC 0.00003; gnomAD 0.00005; ESP Exome Variant Server 0.00015; 1000 Genomes Project 30x 0.00031; 1000 Genomes Project 0.00040.

Submissions (2):

Ambry Genetics
Classification: Uncertain significance. Last evaluated: 2025-03-30. Review status: criteria provided, single submitter. Criteria: Ambry Variant Classification Scheme 2023. Collection method: clinical testing. Allele origin: germline.
Comment: The p.S227R variant (also known as c.679A>C), located in coding exon 1 of the MLH3 gene, results from an A to C substitution at nucleotide position 679. The serine at codon 227 is replaced by arginine, an amino acid with dissimilar properties. This amino acid position is poorly conserved in available vertebrate species. In addition, this alteration is predicted to be tolerated by in silico analysis. Since supporting evidence is limited at this time, the clinical significance of this alteration remains unclear.

Labcorp Genetics (formerly Invitae), Labcorp
Classification: Uncertain significance for Colorectal cancer, hereditary nonpolyposis, type 7. Last evaluated: 2024-08-01. Review status: criteria provided, single submitter. Criteria: Invitae Variant Classification Sherloc (09022015). Collection method: clinical testing. Allele origin: germline.
Comment: This sequence change replaces serine, which is neutral and polar, with arginine, which is basic and polar, at codon 227 of the MLH3 protein (p.Ser227Arg). This variant is present in population databases (rs368947441, gnomAD 0.04%), and has an allele count higher than expected for a pathogenic variant. This variant has not been reported in the literature in individuals affected with MLH3-related conditions. ClinVar contains an entry for this variant (Variation ID: 644231). An algorithm developed to predict the effect of missense changes on protein structure and function outputs the following: PolyPhen-2: "Benign". The arginine amino acid residue is found in multiple mammalian species, which suggests that this missense change does not adversely affect protein function. In summary, the available evidence is currently insufficient to determine the role of this variant in disease. Therefore, it has been classified as a Variant of Uncertain Significance.

NM_001040108.2(MLH3):c.679A>C (p.Ser227Arg)

Gene: MLH3 (mutL homolog 3; minus strand). Cytogenetic location: 14q24.3.
Variant type: single nucleotide variant.
Coding change: c.679A>C on transcript NM_001040108.2 (MANE Select); coding-DNA position 679, A replaced by C.
Protein change: p.Ser227Arg; replaces serine 227 with arginine.
Molecular consequence: missense variant.
Genome position (GRCh38, 1-based): chr14:75,048,977, T>G on the plus strand (A>C on the coding strand, the complement: MLH3 is on the minus strand). VCF-style: chr14-75048977-T-G. GRCh37 (hg19) VCF-style: chr14-75515680-T-G.
Other names: c.679A>C, p.Ser227Arg (NM_014381.3); short protein forms S227R.
Identifiers: ClinVar variation 644231 (VCV000644231.14), dbSNP rs368947441, ClinGen allele CA7275985.